The following is an entry in ClinVar:

ClinVar aggregate classification (germline): Likely benign (1 of 4 stars; one submission).

Conditions:
SEMA3D-related disorder. Also called: SEMA3D-related condition.

gnomAD v4.1: 6 of 1,437,152 alleles (0.00042%); highest among the groups gnomAD compares: Non-Finnish European, 0.00057%; no homozygotes.

Submission:

PreventionGenetics, part of Exact Sciences
Classification: Likely benign for SEMA3D-related condition. Last evaluated: 2026-04-08. Review status: criteria provided, single submitter. Criteria: ACMG Guidelines, 2015. Collection method: clinical testing. Allele origin: germline.
Comment: This variant is classified as likely benign based on ACMG/AMP sequence variant interpretation guidelines (Richards et al. 2015 PMID: 25741868, with internal and published modifications).

NM_001384900.1(SEMA3D):c.151+9A>T

Gene: SEMA3D (semaphorin 3D; minus strand). Cytogenetic location: 7q21.11.
Variant type: single nucleotide variant.
Coding change: c.151+9A>T on transcript NM_001384900.1 (MANE Select); 9 bases into the intron after coding-DNA position 151, A replaced by T.
Molecular consequence: intron variant.
Genome position (GRCh38, 1-based): chr7:85,121,732, T>A on the plus strand (A>T on the coding strand, the complement: SEMA3D is on the minus strand). VCF-style: chr7-85121732-T-A. GRCh37 (hg19) VCF-style: chr7-84751048-T-A.
Other names: c.151+9A>T (NM_001384901.1, NM_001384903.1, NM_001384902.1 and 1 more transcripts).
Identifiers: ClinVar variation 4991162 (VCV004991162.1).